The following is an entry in ClinVar:

NM_007078.3(LDB3):c.724G>A (p.Ala242Thr)

Gene: LDB3 (LIM domain binding 3; plus strand). Cytogenetic location: 10q23.2.
Variant type: single nucleotide variant.
Coding change: c.724G>A on transcript NM_007078.3 (MANE Select); coding-DNA position 724, G replaced by A.
Protein change: p.Ala242Thr; replaces alanine 242 with threonine.
Molecular consequence: missense variant.
Genome position (GRCh38, 1-based): chr10:86,691,930, G>A. VCF-style: chr10-86691930-G-A. GRCh37 (hg19) VCF-style: chr10-88451687-G-A.
Other names: c.583G>A, p.Ala195Thr (NM_001080114.2, NM_001368066.1, NM_001368067.1 and 2 more transcripts); c.724G>A, p.Ala242Thr (NM_001080115.2, NM_001368063.1, NM_001368064.1 and 1 more transcripts); c.928G>A, p.Ala310Thr (NM_001171610.2, NM_001171611.2); c.724G>A (NM_007078.2); short protein forms A195T, A242T, A310T.
Identifiers: ClinVar variation 960651 (VCV000960651.18), dbSNP rs759790522, ClinGen allele CA5584883.

ClinVar aggregate classification (germline): Uncertain significance. Review status: criteria provided, multiple submitters, no conflicts (2 of 4 stars). 7 submissions from 7 submitters: Uncertain significance (7). Last evaluated 2025-10-15.

Conditions:
Cardiovascular phenotype. Identifiers: MedGen CN230736.
Dilated cardiomyopathy 1C (CMD1C). Also called: CARDIOMYOPATHY, DILATED, 1C, WITH OR WITHOUT LEFT VENTRICULAR NONCOMPACTION; Cardiomyopathy, dilated, 1C, with or without LVNC. Identifiers: Orphanet 154, Orphanet 54260, MedGen C1832244, MONDO:0011094, OMIM 601493.
Myofibrillar myopathy 4. Also called: Zaspopathy (type). Identifiers: Orphanet 98912, MedGen C4721886, MONDO:0012277, OMIM 609452.

Allele frequency attached by ClinVar (database versions not stated): gnomAD 0.00003; ExAC 0.00004; TOPMed 0.00002; gnomAD exomes 0.00009 and 0.00004.
gnomAD v4.1: 139 of 1,614,034 alleles (0.0086%); highest among the groups gnomAD compares: South Asian, 0.021%; 2 homozygotes.

Submissions (7):

Ambry Genetics
Classification: Uncertain significance for Cardiovascular phenotype. Last evaluated: 2025-10-15. Review status: criteria provided, single submitter. Criteria: Ambry Variant Classification Scheme 2023. Collection method: clinical testing. Allele origin: germline.
Comment: The p.A242T variant (also known as c.724G>A), located in coding exon 5 of the LDB3 gene, results from a G to A substitution at nucleotide position 724. The alanine at codon 242 is replaced by threonine, an amino acid with similar properties. This amino acid position is well conserved in available vertebrate species. In addition, this alteration is predicted to be tolerated by in silico analysis. Since supporting evidence is limited at this time, the clinical significance of this alteration remains unclear.

Labcorp Genetics (formerly Invitae), Labcorp
Classification: Uncertain significance for Myofibrillar myopathy 4. Last evaluated: 2025-07-23. Review status: criteria provided, single submitter. Criteria: Invitae Variant Classification Sherloc (09022015). Collection method: clinical testing. Allele origin: germline.
Comment: This sequence change replaces alanine, which is neutral and non-polar, with threonine, which is neutral and polar, at codon 195 of the LDB3 protein (p.Ala195Thr). This variant is present in population databases (rs759790522, gnomAD 0.01%). This variant has not been reported in the literature in individuals affected with LDB3-related conditions. ClinVar contains an entry for this variant (Variation ID: 960651). An algorithm developed to predict the effect of missense changes on protein structure and function outputs the following: PolyPhen-2: "Benign". The threonine amino acid residue is found in multiple mammalian species, which suggests that this missense change does not adversely affect protein function. In summary, the available evidence is currently insufficient to determine the role of this variant in disease. Therefore, it has been classified as a Variant of Uncertain Significance.

Revvity Omics, Revvity
Classification: Uncertain significance. Last evaluated: 2024-12-10. Review status: criteria provided, single submitter. Criteria: ACMG Guidelines, 2015. Collection method: clinical testing. Allele origin: germline.

GeneDx
Classification: Uncertain significance. Last evaluated: 2022-09-02. Review status: criteria provided, single submitter. Criteria: GeneDx Variant Classification Process June 2021. Collection method: clinical testing. Allele origin: germline. Affected: yes.
Comment: In silico analysis supports that this missense variant does not alter protein structure/function; Has not been previously published as pathogenic or benign to our knowledge

Department of Pathology and Laboratory Medicine, Sinai Health System
Classification: Uncertain significance for Dilated cardiomyopathy 1C; Myofibrillar myopathy 4. Last evaluated: 2022-07-20. Review status: criteria provided, single submitter. Criteria: ACMG Guidelines, 2015. Collection method: research. Allele origin: germline.

Clinical Genetics Laboratory, Skane University Hospital Lund
Classification: Uncertain significance. Last evaluated: 2022-06-10. Review status: criteria provided, single submitter. Criteria: ACMG Guidelines, 2015. Collection method: clinical testing. Allele origin: germline. Affected: yes.

Fulgent Genetics
Classification: Uncertain significance for Dilated cardiomyopathy 1C; Myofibrillar myopathy 4. Last evaluated: 2021-09-03. Review status: criteria provided, single submitter. Criteria: ACMG Guidelines, 2015. Collection method: clinical testing. Allele origin: unknown.